The following is an entry in ClinVar:

NM_000784.4(CYP27A1):c.446C>T (p.Thr149Met)

Gene: CYP27A1 (cytochrome P450 family 27 subfamily A member 1; plus strand). Cytogenetic location: 2q35.
Variant type: single nucleotide variant.
Coding change: c.446C>T on transcript NM_000784.4 (MANE Select); coding-DNA position 446, C replaced by T.
Protein change: p.Thr149Met; replaces threonine 149 with methionine.
Molecular consequence: missense variant.
Genome position (GRCh38, 1-based): chr2:218,809,767, C>T. VCF-style: chr2-218809767-C-T. GRCh37 (hg19) VCF-style: chr2-219674490-C-T.
Other names: short protein forms T149M.
Identifiers: ClinVar variation 1697075 (VCV001697075.5), dbSNP rs776992864, ClinGen allele CA2112593.

ClinVar aggregate classification (germline): Uncertain significance. Review status: criteria provided, multiple submitters, no conflicts (2 of 4 stars). 3 submissions from 3 submitters: Uncertain significance (3). Last evaluated 2022-08-03.

Conditions:
Cardiovascular phenotype. Identifiers: MedGen CN230736.
Cholestanol storage disease (CTX). Also called: Cerebrotendinous Xanthomatosis; CEREBRAL CHOLESTERINOSIS; CTX: Cerebrotendinous xanthomatosis. Identifiers: Orphanet 909, MedGen C0238052, MONDO:0008948, OMIM 213700.

Allele frequency attached by ClinVar (database versions not stated): gnomAD exomes 0.00001 and 0.00003; ExAC 0.00002; gnomAD 0.00007 and 0.00008; TOPMed 0.00008.
gnomAD v4.1: 31 of 1,612,462 alleles (0.0019%); highest among the groups gnomAD compares: African/African-American, 0.024%; no homozygotes.

Submissions (3):

Labcorp Genetics (formerly Invitae), Labcorp
Classification: Uncertain significance for Cholestanol storage disease. Last evaluated: 2022-08-03. Review status: criteria provided, single submitter. Criteria: Invitae Variant Classification Sherloc (09022015). Collection method: clinical testing. Allele origin: germline.
Comment: This sequence change replaces threonine, which is neutral and polar, with methionine, which is neutral and non-polar, at codon 149 of the CYP27A1 protein (p.Thr149Met). This variant is present in population databases (rs776992864, gnomAD 0.02%). This variant has not been reported in the literature in individuals affected with CYP27A1-related conditions. ClinVar contains an entry for this variant (Variation ID: 1697075). Algorithms developed to predict the effect of missense changes on protein structure and function output the following: SIFT: "Tolerated"; PolyPhen-2: "Benign"; Align-GVGD: "Class C0". The methionine amino acid residue is found in multiple mammalian species, which suggests that this missense change does not adversely affect protein function. In summary, the available evidence is currently insufficient to determine the role of this variant in disease. Therefore, it has been classified as a Variant of Uncertain Significance.

Ambry Genetics
Classification: Uncertain significance for Cardiovascular phenotype. Last evaluated: 2022-03-09. Review status: criteria provided, single submitter. Criteria: Ambry Variant Classification Scheme 2023. Collection method: clinical testing. Allele origin: germline.

GeneDx
Classification: Uncertain significance. Last evaluated: 2022-01-17. Review status: criteria provided, single submitter. Criteria: GeneDx Variant Classification Process June 2021. Collection method: clinical testing. Allele origin: germline. Affected: yes.
Comment: In silico analysis supports that this missense variant does not alter protein structure/function; Has not been previously published as pathogenic or benign to our knowledge